The following is an entry in ClinVar:

ClinVar aggregate classification (germline): Pathogenic/Likely pathogenic. Review status: criteria provided, multiple submitters, no conflicts (2 of 4 stars). 2 submissions from 2 submitters: Pathogenic (1); Likely pathogenic (1). Last evaluated 2023-06-23.

Conditions:
Pontocerebellar hypoplasia type 6 (PCH6). Identifiers: Orphanet 166073, MedGen C1969084, MONDO:0012683, OMIM 611523.

Allele frequency attached by ClinVar (database versions not stated): gnomAD 0.00001; TOPMed 0.00001.
gnomAD v4.1: 2 of 1,613,888 alleles (0.00012%); highest among the groups gnomAD compares: African/African-American, 0.0027%; no homozygotes.

Submissions (2):

Labcorp Genetics (formerly Invitae), Labcorp
Classification: Pathogenic. Last evaluated: 2023-06-23. Review status: criteria provided, single submitter. Criteria: Invitae Variant Classification Sherloc (09022015). Collection method: clinical testing. Allele origin: germline.
Comment: For these reasons, this variant has been classified as Pathogenic. ClinVar contains an entry for this variant (Variation ID: 1184397). This variant has not been reported in the literature in individuals affected with RARS2-related conditions. This variant is not present in population databases (gnomAD no frequency). This sequence change creates a premature translational stop signal (p.Lys438*) in the RARS2 gene. It is expected to result in an absent or disrupted protein product. Loss-of-function variants in RARS2 are known to be pathogenic (PMID: 17847012, 22569581, 26083569).

New York Genome Center
Classification: Likely pathogenic for Pontocerebellar hypoplasia type 6. Last evaluated: 2020-07-03. Review status: criteria provided, single submitter. Criteria: NYGC Assertion Criteria 2020. Collection method: clinical testing. Allele origin: inherited. Observed: 1 heterozygote. Study: CSER-NYCKidSeq.

Literature cited by the submitters: PubMed 17847012 (cited by Labcorp Genetics (formerly Invitae), Labcorp); PubMed 22569581 (cited by Labcorp Genetics (formerly Invitae), Labcorp); PubMed 26083569 (cited by Labcorp Genetics (formerly Invitae), Labcorp).

NM_020320.5(RARS2):c.1312A>T (p.Lys438Ter)

Gene: RARS2 (arginyl-tRNA synthetase 2, mitochondrial; minus strand). Cytogenetic location: 6q15.
Variant type: single nucleotide variant.
Coding change: c.1312A>T on transcript NM_020320.5 (MANE Select); coding-DNA position 1312, A replaced by T.
Protein change: p.Lys438Ter; replaces lysine 438 with a stop codon.
Molecular consequence: nonsense. On other transcripts: non-coding transcript variant (23).
Genome position (GRCh38, 1-based): chr6:87,518,733, T>A on the plus strand (A>T on the coding strand, the complement: RARS2 is on the minus strand). VCF-style: chr6-87518733-T-A. GRCh37 (hg19) VCF-style: chr6-88228451-T-A.
Other names: c.787A>T, p.Lys263Ter (NM_001318785.2, NM_001350506.2, NM_001350507.2 and 4 more transcripts); c.1312A>T, p.Lys438Ter (NM_001350505.2); short protein forms K263*, K438*.
Identifiers: ClinVar variation 1184397 (VCV001184397.4), dbSNP rs1419422047, ClinGen allele CA364922803.